The following is an entry in ClinVar:

ClinVar aggregate classification (germline): Likely benign. Review status: criteria provided, multiple submitters, no conflicts (2 of 4 stars). 5 submissions from 5 submitters: Likely benign (4). 1 of the submissions does not count toward it. Last evaluated 2026-01-06.

Conditions:
Combined immunodeficiency due to CTPS1 deficiency. Also called: Severe combined immunodeficiency due to CTPS1 deficiency; Immunodeficiency 24. Identifiers: Orphanet 420573, MedGen C4014617, MONDO:0014391, OMIM 615897.
CTPS1-related disorder. Also called: CTPS1-related condition.

Allele frequency attached by ClinVar (database versions not stated): gnomAD exomes 0.00012; 1000 Genomes Project 30x 0.00016; ExAC 0.00016; 1000 Genomes Project 0.00020; gnomAD 0.00044 and 0.00049; TOPMed 0.00053; ESP Exome Variant Server 0.00054.
gnomAD v4.1: 166 of 1,613,624 alleles (0.01%); highest among the groups gnomAD compares: African/African-American, 0.15%; 1 homozygote.

Submissions (5):

Labcorp Genetics (formerly Invitae), Labcorp
Classification: Likely benign for Combined immunodeficiency due to CTPS1 deficiency. Last evaluated: 2026-01-06. Review status: criteria provided, single submitter. Criteria: Invitae Variant Classification Sherloc (09022015). Collection method: clinical testing. Allele origin: germline.

Women's Health and Genetics/Laboratory Corporation of America, LabCorp
Classification: Likely benign. Last evaluated: 2025-06-16. Review status: criteria provided, single submitter. Criteria: LabCorp Variant Classification Summary - May 2015. Collection method: clinical testing. Allele origin: germline.

Blueprint Genetics
Classification: Likely benign. Last evaluated: 2024-11-11. Review status: criteria provided, single submitter. Criteria: ACMG Guidelines, 2015. Collection method: clinical testing. Allele origin: germline.

CeGaT Center for Human Genetics Tuebingen
Classification: Likely benign. Last evaluated: 2022-05-01. Review status: criteria provided, single submitter. Criteria: CeGaT Center For Human Genetics Tuebingen Variant Classification Criteria Version 2. Collection method: clinical testing. Allele origin: germline. Affected: yes. Observed: 1 variant allele.
Comment: CTPS1: BP4, BP7

PreventionGenetics, part of Exact Sciences
Classification: Likely benign for CTPS1-related condition. Last evaluated: 2019-02-26. Review status: no assertion criteria provided. Collection method: clinical testing. Allele origin: germline. Not counted in ClinVar's aggregate classification.
Comment: This variant is classified as likely benign based on ACMG/AMP sequence variant interpretation guidelines (Richards et al. 2015 PMID: 25741868, with internal and published modifications).

NM_001905.4(CTPS1):c.1281G>A (p.Thr427=)

Gene: CTPS1 (CTP synthase 1; plus strand). Cytogenetic location: 1p34.2.
Variant type: single nucleotide variant.
Coding change: c.1281G>A on transcript NM_001905.4 (MANE Select); coding-DNA position 1281, G replaced by A.
Protein change: p.Thr427=; no amino-acid change (threonine 427 retained).
Molecular consequence: synonymous variant. On other transcripts: non-coding transcript variant (1).
Genome position (GRCh38, 1-based): chr1:41,006,079, G>A. VCF-style: chr1-41006079-G-A. GRCh37 (hg19) VCF-style: chr1-41471751-G-A.
Other names: c.813G>A, p.Thr271= (NM_001301237.2).
Identifiers: ClinVar variation 720253 (VCV000720253.37), dbSNP rs145143197, ClinGen allele CA795493.